The following is an entry in ClinVar:

NM_021224.6(ZNF462):c.1559A>T (p.Tyr520Phe)

Gene: ZNF462 (zinc finger protein 462; plus strand). Cytogenetic location: 9q31.2.
Variant type: single nucleotide variant.
Coding change: c.1559A>T on transcript NM_021224.6 (MANE Select); coding-DNA position 1559, A replaced by T.
Protein change: p.Tyr520Phe; replaces tyrosine 520 with phenylalanine.
Molecular consequence: missense variant.
Genome position (GRCh38, 1-based): chr9:106,925,471, A>T. VCF-style: chr9-106925471-A-T. GRCh37 (hg19) VCF-style: chr9-109687752-A-T.
Other names: c.1559A>T, p.Tyr520Phe (NM_001347997.2); short protein forms Y520F.
Identifiers: ClinVar variation 2381010 (VCV002381010.2), dbSNP rs144070292, ClinGen allele CA5171345.

ClinVar aggregate classification (germline): Uncertain significance (1 of 4 stars; one submission).

Conditions:
Inborn genetic diseases. Identifiers: MedGen C0950123, MeSH D030342.

Allele frequency attached by ClinVar (database versions not stated): gnomAD 0.00001; gnomAD exomes 0.00001; ExAC 0.00002; TOPMed 0.00002; ESP Exome Variant Server 0.00008.
gnomAD v4.1: 21 of 1,614,040 alleles (0.0013%); highest among the groups gnomAD compares: Non-Finnish European, 0.0016%; no homozygotes.

Submission:

Ambry Genetics
Classification: Uncertain significance for Inborn genetic diseases. Last evaluated: 2022-09-03. Review status: criteria provided, single submitter. Criteria: Ambry Variant Classification Scheme 2023. Collection method: clinical testing. Allele origin: germline.
Comment: The c.1559A>T (p.Y520F) alteration is located in exon 3 (coding exon 2) of the ZNF462 gene. This alteration results from an A to T substitution at nucleotide position 1559, causing the tyrosine (Y) at amino acid position 520 to be replaced by a phenylalanine (F). Based on data from gnomAD, the T allele has an overall frequency of 0.001% (3/251478) total alleles studied. The highest observed frequency was 0.003% (3/113760) of European (non-Finnish) alleles. This amino acid position is well conserved in available vertebrate species. This alteration is predicted to be tolerated by in silico analysis. Based on insufficient or conflicting evidence, the clinical significance of this alteration remains unclear.